The following is an entry in ClinVar:

NM_001365951.3(KIF1B):c.5329G>T (p.Val1777Phe)

Gene: KIF1B (kinesin family member 1B; plus strand). Cytogenetic location: 1p36.22.
Variant type: single nucleotide variant.
Coding change: c.5329G>T on transcript NM_001365951.3 (MANE Select); coding-DNA position 5329, G replaced by T.
Protein change: p.Val1777Phe; replaces valine 1777 with phenylalanine.
Molecular consequence: missense variant.
Genome position (GRCh38, 1-based): chr1:10,375,294, G>T. VCF-style: chr1-10375294-G-T. GRCh37 (hg19) VCF-style: chr1-10435352-G-T.
Other names: c.5329G>T, p.Val1777Phe (NM_001365952.1); c.5191G>T, p.Val1731Phe (NM_015074.3); short protein forms V1731F, V1777F.
Identifiers: ClinVar variation 1517466 (VCV001517466.8), dbSNP rs781002245, ClinGen allele CA338331804.

ClinVar aggregate classification (germline): Uncertain significance. Review status: criteria provided, multiple submitters, no conflicts (2 of 4 stars). 3 submissions from 3 submitters: Uncertain significance (3). Last evaluated 2025-02-17.

Conditions:
Charcot-Marie-Tooth disease type 2. Also called: Charcot-Marie-Tooth type 2. Identifiers: Orphanet 64746, MedGen C0270914, MONDO:0018993.

Allele frequency attached by ClinVar (database versions not stated): TOPMed below 0.00001; gnomAD 0.00001.
gnomAD v4.1: 3 of 1,614,044 alleles (0.00019%); highest among the groups gnomAD compares: Admixed American, 0.005%; no homozygotes.

Submissions (3):

Labcorp Genetics (formerly Invitae), Labcorp
Classification: Uncertain significance for Charcot-Marie-Tooth disease type 2. Last evaluated: 2025-02-17. Review status: criteria provided, single submitter. Criteria: Invitae Variant Classification Sherloc (09022015). Collection method: clinical testing. Allele origin: germline.
Comment: This sequence change replaces valine, which is neutral and non-polar, with phenylalanine, which is neutral and non-polar, at codon 1731 of the KIF1B protein (p.Val1731Phe). This variant is not present in population databases (gnomAD no frequency). This variant has not been reported in the literature in individuals affected with KIF1B-related conditions. ClinVar contains an entry for this variant (Variation ID: 1517466). An algorithm developed to predict the effect of missense changes on protein structure and function (PolyPhen-2) suggests that this variant is likely to be tolerated. In summary, the available evidence is currently insufficient to determine the role of this variant in disease. Therefore, it has been classified as a Variant of Uncertain Significance.

Ambry Genetics
Classification: Uncertain significance. Last evaluated: 2023-02-16. Review status: criteria provided, single submitter. Criteria: Ambry Variant Classification Scheme 2023. Collection method: clinical testing. Allele origin: germline.
Comment: The p.V1731F variant (also known as c.5191G>T), located in coding exon 45 of the KIF1B gene, results from a G to T substitution at nucleotide position 5191. The valine at codon 1731 is replaced by phenylalanine, an amino acid with highly similar properties. This amino acid position is conserved. In addition, this alteration is predicted to be tolerated by in silico analysis. Since supporting evidence is limited at this time, the clinical significance of this alteration remains unclear.

Breakthrough Genomics
Classification: Uncertain significance. Review status: criteria provided, single submitter. Criteria: ACMG Guidelines, 2015. Collection method: not provided. Allele origin: germline. Inheritance: Autosomal dominant inheritance. Affected: yes.